The following is an entry in ClinVar:

NM_002890.3(RASA1):c.143C>G (p.Pro48Arg)

Gene: RASA1 (RAS p21 protein activator 1; plus strand). Cytogenetic location: 5q14.3.
Variant type: single nucleotide variant.
Coding change: c.143C>G on transcript NM_002890.3 (MANE Select); coding-DNA position 143, C replaced by G.
Protein change: p.Pro48Arg; replaces proline 48 with arginine.
Molecular consequence: missense variant.
Genome position (GRCh38, 1-based): chr5:87,268,594, C>G. VCF-style: chr5-87268594-C-G. GRCh37 (hg19) VCF-style: chr5-86564411-C-G.
Other names: short protein forms P48R.
Identifiers: ClinVar variation 935233 (VCV000935233.12), dbSNP rs1580178676, ClinGen allele CA360416854.

ClinVar aggregate classification (germline): Uncertain significance. Review status: criteria provided, multiple submitters, no conflicts (2 of 4 stars). 2 submissions from 2 submitters: Uncertain significance (2). Last evaluated 2021-03-10.

Conditions:
Capillary malformation-arteriovenous malformation syndrome. Also called: Capillary malformation-arteriovenous malformation. Identifiers: Orphanet 137667, MedGen C1842180, MONDO:0012016.
Capillary malformation-arteriovenous malformation 1 (CMAVM1). Identifiers: Orphanet 137667, Orphanet 693907, MedGen C4747394, MONDO:0020783, OMIM 608354.

Submissions (2):

Revvity Omics, Revvity
Classification: Uncertain significance for Capillary malformation-arteriovenous malformation 1. Last evaluated: 2021-03-10. Review status: criteria provided, single submitter. Criteria: ACMG Guidelines, 2015. Collection method: clinical testing. Allele origin: germline.

Labcorp Genetics (formerly Invitae), Labcorp
Classification: Uncertain significance for Capillary malformation-arteriovenous malformation syndrome. Last evaluated: 2019-07-22. Review status: criteria provided, single submitter. Criteria: Invitae Variant Classification Sherloc (09022015). Collection method: clinical testing. Allele origin: germline.
Comment: Algorithms developed to predict the effect of missense changes on protein structure and function are either unavailable or do not agree on the potential impact of this missense change (SIFT: "Deleterious"; PolyPhen-2: "Possibly Damaging"; Align-GVGD: "Class C0"). This variant has not been reported in the literature in individuals with RASA1-related conditions. In summary, the available evidence is currently insufficient to determine the role of this variant in disease. Therefore, it has been classified as a Variant of Uncertain Significance. This variant is not present in population databases (ExAC no frequency). This sequence change replaces proline with arginine at codon 48 of the RASA1 protein (p.Pro48Arg). The proline residue is moderately conserved and there is a moderate physicochemical difference between proline and arginine.